The following is an entry in ClinVar:

ClinVar aggregate classification (germline): Benign. Review status: criteria provided, multiple submitters, no conflicts (2 of 4 stars). 2 submissions from 2 submitters: Benign (2). Last evaluated 2026-09-01.

Allele frequency attached by ClinVar (database versions not stated): 1000 Genomes Project 30x 0.00484; 1000 Genomes Project 0.00519; gnomAD 0.00755; ESP Exome Variant Server 0.00777; TOPMed 0.00785; ExAC 0.00838; gnomAD exomes 0.00924.

Submissions (2):

CeGaT Center for Human Genetics Tuebingen
Classification: Benign. Last evaluated: 2026-09-01. Review status: criteria provided, single submitter. Criteria: CeGaT Center For Human Genetics Tuebingen Variant Classification Criteria Version 2. Collection method: clinical testing. Allele origin: germline. Affected: yes. Observed: 6 variant alleles.
Comment: POLR3F: BP4, BP7, BS1, BS2

Labcorp Genetics (formerly Invitae), Labcorp
Classification: Benign. Last evaluated: 2026-02-01. Review status: criteria provided, single submitter. Criteria: Invitae Variant Classification Sherloc (09022015). Collection method: clinical testing. Allele origin: germline.

NM_006466.4(POLR3F):c.264C>T (p.Ser88=)

Gene: POLR3F (RNA polymerase III subunit F; plus strand). Cytogenetic location: 20p11.23.
Variant type: single nucleotide variant.
Coding change: c.264C>T on transcript NM_006466.4 (MANE Select); coding-DNA position 264, C replaced by T.
Protein change: p.Ser88=; no amino-acid change (serine 88 retained).
Molecular consequence: synonymous variant. On other transcripts: non-coding transcript variant (1).
Genome position (GRCh38, 1-based): chr20:18,473,406, C>T. VCF-style: chr20-18473406-C-T. GRCh37 (hg19) VCF-style: chr20-18454050-C-T.
Other names: c.141C>T, p.Ser47= (NM_001282526.2); c.264C>T, p.Ser88= (NM_001410821.1).
Identifiers: ClinVar variation 2008013 (VCV002008013.28), dbSNP rs36071991, ClinGen allele CA9777492.